The following is an entry in ClinVar:

NM_001127208.3(TET2):c.1646C>T (p.Thr549Ile)

Genes: TET2 (tet methylcytosine dioxygenase 2; plus strand), TET2-AS1 (TET2 antisense RNA 1; minus strand). Cytogenetic location: 4q24.
Variant type: single nucleotide variant.
Coding change: c.1646C>T on transcript NM_001127208.3 (MANE Select); coding-DNA position 1646, C replaced by T.
Protein change: p.Thr549Ile; replaces threonine 549 with isoleucine.
Molecular consequence: missense variant.
Genome position (GRCh38, 1-based): chr4:105,235,588, C>T. VCF-style: chr4-105235588-C-T. GRCh37 (hg19) VCF-style: chr4-106156745-C-T.
Other names: c.1646C>T, p.Thr549Ile (NM_017628.4); short protein forms T549I.
Identifiers: ClinVar variation 3806112 (VCV003806112.1).

ClinVar aggregate classification (germline): Uncertain significance (1 of 4 stars; one submission).

Submission:

Ambry Genetics
Classification: Uncertain significance. Last evaluated: 2025-03-08. Review status: criteria provided, single submitter. Criteria: Ambry Variant Classification Scheme 2023. Collection method: clinical testing. Allele origin: germline.
Comment: The p.T549I variant (also known as c.1646C>T), located in coding exon 1 of the TET2 gene, results from a C to T substitution at nucleotide position 1646. The threonine at codon 549 is replaced by isoleucine, an amino acid with similar properties. This amino acid position is conserved. In addition, this alteration is predicted to be tolerated by in silico analysis. Based on the available evidence, the clinical significance of this variant remains unclear.